The following is an entry in ClinVar:

ClinVar aggregate classification (germline): Uncertain significance (1 of 4 stars; one submission).

Submission:

Ambry Genetics
Classification: Uncertain significance. Last evaluated: 2025-08-05. Review status: criteria provided, single submitter. Criteria: Ambry Variant Classification Scheme 2023. Collection method: clinical testing. Allele origin: germline.
Comment: The p.R18L variant (also known as c.53G>T), located in coding exon 1 of the GALNT12 gene, results from a G to T substitution at nucleotide position 53. The arginine at codon 18 is replaced by leucine, an amino acid with dissimilar properties. This amino acid position is conserved. In addition, this alteration is predicted to be tolerated by in silico analysis. Based on the available evidence, the clinical significance of this variant remains unclear.

NM_024642.5(GALNT12):c.53G>T (p.Arg18Leu)

Genes: GALNT12 (polypeptide N-acetylgalactosaminyltransferase 12; plus strand), LOC130002222 (ATAC-STARR-seq lymphoblastoid silent region 20123; plus strand). Cytogenetic location: 9q22.33.
Variant type: single nucleotide variant.
Coding change: c.53G>T on transcript NM_024642.5 (MANE Select); coding-DNA position 53, G replaced by T.
Protein change: p.Arg18Leu; replaces arginine 18 with leucine.
Molecular consequence: missense variant.
Genome position (GRCh38, 1-based): chr9:98,807,751, G>T. VCF-style: chr9-98807751-G-T. GRCh37 (hg19) VCF-style: chr9-101570033-G-T.
Other names: short protein forms R18L.
Identifiers: ClinVar variation 4261496 (VCV004261496.1).